The following is an entry in ClinVar:

ClinVar aggregate classification (germline): Uncertain significance (1 of 4 stars; one submission).

Conditions:
Hereditary cancer-predisposing syndrome. Also called: Neoplastic Syndromes, Hereditary; Tumor predisposition; Hereditary neoplastic syndrome; Hereditary Cancer Syndrome. Identifiers: Orphanet 140162, MedGen C0027672, MeSH D009386, MONDO:0015356.

Submission:

Ambry Genetics
Classification: Uncertain significance for Hereditary cancer-predisposing syndrome. Last evaluated: 2026-07-02. Review status: criteria provided, single submitter. Criteria: Ambry Variant Classification Scheme 2023. Collection method: clinical testing. Allele origin: germline.
Comment: The p.P1542S variant (also known as c.4624C>T), located in coding exon 15 of the APC gene, results from a C to T substitution at nucleotide position 4624. The proline at codon 1542 is replaced by serine, an amino acid with similar properties. This amino acid position is conserved. In addition, in silico predictors for this gene do not accurately predict pathogenicity. Based on the available evidence, the clinical significance of this variant remains unclear.

NM_000038.6(APC):c.4624C>T (p.Pro1542Ser)

Gene: APC (APC regulator of Wnt signaling pathway; plus strand). Cytogenetic location: 5q22.2.
Variant type: single nucleotide variant.
Coding change: c.4624C>T on transcript NM_000038.6 (MANE Select); coding-DNA position 4624, C replaced by T.
Protein change: p.Pro1542Ser; replaces proline 1542 with serine.
Molecular consequence: missense variant. On other transcripts: non-coding transcript variant (2).
Genome position (GRCh38, 1-based): chr5:112,840,218, C>T. VCF-style: chr5-112840218-C-T. GRCh37 (hg19) VCF-style: chr5-112175915-C-T.
Other names: c.4624C>T, p.Pro1542Ser (NM_001127510.3, NM_001354895.2, NM_001407450.1); c.4570C>T, p.Pro1524Ser (NM_001127511.3); c.4678C>T, p.Pro1560Ser (NM_001354896.2, NM_001407447.1, NM_001407448.1 and 1 more transcripts); c.4654C>T, p.Pro1552Ser (NM_001354897.2); c.4549C>T, p.Pro1517Ser (NM_001354898.2); c.4540C>T, p.Pro1514Ser (NM_001354899.2); c.4501C>T, p.Pro1501Ser (NM_001354900.2); c.4447C>T, p.Pro1483Ser (NM_001354901.2, NM_001407453.1); and 11 more; short protein forms P1259S, P1483S, P1517S, P1542S, P1552S, P1413S, P1451S, P1514S.
Identifiers: ClinVar variation 5024850 (VCV005024850.1).